The following is an entry in ClinVar:

ClinVar aggregate classification (germline): Uncertain significance (1 of 4 stars; one submission).

Submission:

ARUP Laboratories, Molecular Genetics and Genomics, ARUP Laboratories
Classification: Uncertain significance. Last evaluated: 2019-03-01. Review status: criteria provided, single submitter. Criteria: ARUP Molecular Germline Variant Investigation Process. Collection method: clinical testing. Allele origin: germline.
Comment: The TTN c.43777G>A; p.Ala14593Thr variant is rare in the general population (<1% allele frequency in the Genome Aggregation Database) and has not been reported in the medical literature in association with dilated cardiomyopathy (DCM) or other TTN-related disease. The clinical relevance of rare missense variants in this gene, which are identified on average once per individual sequenced in affected populations (Herman 2012), is not well understood. Yet, evidence suggests that the vast majority of such missense variants do not contribute to the clinical outcome of DCM (Begay 2015). Thus, the clinical significance of the p.Ala14593Thr variant cannot be determined with certainty.

NM_001267550.2(TTN):c.51481G>A (p.Ala17161Thr)

Genes: TTN-AS1 (TTN antisense RNA 1; plus strand), TTN (titin; minus strand). Cytogenetic location: 2q31.2.
Variant type: single nucleotide variant.
Coding change: c.51481G>A on transcript NM_001267550.2 (MANE Select); coding-DNA position 51481, G replaced by A.
Protein change: p.Ala17161Thr; replaces alanine 17161 with threonine.
Molecular consequence: missense variant.
Genome position (GRCh38, 1-based): chr2:178,609,942, C>T on the plus strand (G>A on the coding strand, the complement: TTN is on the minus strand). VCF-style: chr2-178609942-C-T. GRCh37 (hg19) VCF-style: chr2-179474669-C-T.
Other names: c.46558G>A, p.Ala15520Thr (NM_001256850.1); c.24286G>A, p.Ala8096Thr (NM_003319.4); c.43777G>A, p.Ala14593Thr (NM_133378.4); c.24661G>A, p.Ala8221Thr (NM_133432.3); c.24862G>A, p.Ala8288Thr (NM_133437.4); short protein forms A14593T, A15520T, A17161T, A8096T, A8221T, A8288T.
Identifiers: ClinVar variation 811297 (VCV000811297.8), dbSNP rs1576397419, ClinGen allele CA349585403.